The following is an entry in ClinVar:

ClinVar aggregate classification (germline): Likely benign. Review status: criteria provided, multiple submitters, no conflicts (2 of 4 stars). 7 submissions from 7 submitters: Likely benign (4). 3 of the submissions do not count toward it. Last evaluated 2025-10-14.

Conditions:
SIX5-related disorder. Also called: SIX5-related condition.

Allele frequency attached by ClinVar (database versions not stated): gnomAD exomes 0.00066; gnomAD 0.00069 and 0.00072; TOPMed 0.00088; ESP Exome Variant Server 0.00077; ExAC 0.00087; 1000 Genomes Project 30x 0.00016; 1000 Genomes Project 0.00020.

Submissions (7):

Labcorp Genetics (formerly Invitae), Labcorp
Classification: Likely benign. Last evaluated: 2025-10-14. Review status: criteria provided, single submitter. Criteria: Invitae Variant Classification Sherloc (09022015). Collection method: clinical testing. Allele origin: germline.

Blueprint Genetics
Classification: Likely benign. Last evaluated: 2024-11-26. Review status: criteria provided, single submitter. Criteria: ACMG Guidelines, 2015. Collection method: clinical testing. Allele origin: germline.

GeneDx
Classification: Likely benign. Last evaluated: 2021-01-14. Review status: criteria provided, single submitter. Criteria: GeneDx Variant Classification Process June 2021. Collection method: clinical testing. Allele origin: germline. Affected: yes.

Breakthrough Genomics
Classification: Likely benign. Review status: criteria provided, single submitter. Criteria: ACMG Guidelines, 2015. Collection method: not provided. Allele origin: germline. Inheritance: Unknown mechanism. Affected: yes.

Genetic Services Laboratory, University of Chicago
Classification: Likely benign. Last evaluated: 2022-11-04. Review status: no assertion criteria provided. Collection method: clinical testing. Allele origin: germline. Affected: no. Not counted in ClinVar's aggregate classification.

PreventionGenetics, part of Exact Sciences
Classification: Likely benign for SIX5-related condition. Last evaluated: 2020-11-09. Review status: no assertion criteria provided. Collection method: clinical testing. Allele origin: germline. Not counted in ClinVar's aggregate classification.
Comment: This variant is classified as likely benign based on ACMG/AMP sequence variant interpretation guidelines (Richards et al. 2015 PMID: 25741868, with internal and published modifications).

Department of Pathology and Laboratory Medicine, Sinai Health System
Classification: Likely benign. Review status: no assertion criteria provided. Collection method: clinical testing. Allele origin: unknown. Affected: yes. Study: The Canadian Open Genetics Repository (COGR). Not counted in ClinVar's aggregate classification.
Comment: The SIX5 p.Thr552Thr variant was not identified in the literature but was identified in dbSNP (ID: rs149475634) and ClinVar (classified as likely benign by Invitae). The variant was identified in control databases in 183 of 274692 chromosomes at a frequency of 0.0006662 increasing the likelihood this could be a low frequency benign variant (Genome Aggregation Database March 6, 2019, v2.1.1). The variant was observed in the following populations: European (non-Finnish) in 173 of 124438 chromosomes (freq: 0.00139), Other in 4 of 7052 chromosomes (freq: 0.000567) and African in 6 of 24334 chromosomes (freq: 0.000247), but was not observed in the Latino, Ashkenazi Jewish, East Asian, European (Finnish), or South Asian populations. The p.Thr552Thr variant is not expected to have clinical significance because it does not result in a change of amino acid and is not located in a known consensus splice site. The variant occurs outside of the splicing consensus sequence and in silico or computational prediction software programs (SpliceSiteFinder, MaxEntScan, NNSPLICE, GeneSplicer) predict a greater than 10% difference in splicing. However, this has not been confirmed by RNA analysis and is not predictive enough to assume pathogenicity. In summary, based on the above information the clinical significance of this variant cannot be determined with certainty at this time although we would lean towards a more benign role for this variant. This variant is classified as likely benign.

NM_175875.5(SIX5):c.1656G>A (p.Thr552=)

Gene: SIX5 (SIX homeobox 5; minus strand). Cytogenetic location: 19q13.32.
Variant type: single nucleotide variant.
Coding change: c.1656G>A on transcript NM_175875.5 (MANE Select); coding-DNA position 1656, G replaced by A.
Protein change: p.Thr552=; no amino-acid change (threonine 552 retained).
Molecular consequence: synonymous variant.
Genome position (GRCh38, 1-based): chr19:45,766,065, C>T on the plus strand (G>A on the coding strand, the complement: SIX5 is on the minus strand). VCF-style: chr19-45766065-C-T. GRCh37 (hg19) VCF-style: chr19-46269323-C-T.
Identifiers: ClinVar variation 708831 (VCV000708831.17), dbSNP rs149475634, ClinGen allele CA9520551.